The following is an entry in ClinVar:

NM_001374828.1(ARID1B):c.6726_6730dup (p.Asp2244fs)

Gene: ARID1B (AT-rich interaction domain 1B; plus strand). Cytogenetic location: 6q25.3.
Variant type: Duplication.
Coding change: c.6726_6730dup on transcript NM_001374828.1 (MANE Select); coding-DNA positions 6726 to 6730, 5 bases duplicated (TGGGG; older notation c.6726_6730dupTGGGG).
Protein change: p.Asp2244fs; shifts the reading frame from aspartic acid 2244.
Molecular consequence: frameshift variant.
Genome position (GRCh38, 1-based): chr6:157,207,498-157,207,502, TGGGG duplicated. VCF-style (leftmost placement, unchanged base first): chr6-157207497-T-TTGGGG. GRCh37 (hg19) VCF-style: chr6-157528631-T-TTGGGG.
Other names: c.4227_4231dup, p.Asp1411fs (NM_001363725.2); c.6606_6610dup, p.Asp2204fs (NM_001371656.1, NM_001374820.1); c.6567_6571dup, p.Asp2191fs (NM_017519.3); short protein forms D1411fs, D2191fs, D2204fs, D2244fs.
Identifiers: ClinVar variation 1695173 (VCV001695173.31), dbSNP rs2128398237, ClinGen allele CA2580075279.

ClinVar aggregate classification (germline): Likely pathogenic (1 of 4 stars; one submission).

Submission:

CeGaT Center for Human Genetics Tuebingen
Classification: Likely pathogenic. Last evaluated: 2022-05-01. Review status: criteria provided, single submitter. Criteria: CeGaT Center For Human Genetics Tuebingen Variant Classification Criteria Version 2. Collection method: clinical testing. Allele origin: germline. Affected: yes. Observed: 1 variant allele.
Comment: ARID1B: PVS1:Strong, PM2, PP4